The following is an entry in ClinVar:

ClinVar aggregate classification (germline): Uncertain significance (1 of 4 stars; one submission).

gnomAD v4.1: 1 of 1,613,510 alleles (0.000062%); highest among the groups gnomAD compares: Non-Finnish European, 0.000085%; no homozygotes.

Submission:

GeneDx
Classification: Uncertain significance. Last evaluated: 2025-05-14. Review status: criteria provided, single submitter. Criteria: GeneDx Variant Classification Process June 2021. Collection method: clinical testing. Allele origin: germline.
Comment: Not observed at significant frequency in large population cohorts (gnomAD); In silico analysis supports that this missense variant has a deleterious effect on splicing; In silico analysis supports that this missense variant has a deleterious effect on protein structure/function; Has not been previously published as pathogenic or benign to our knowledge

NM_014991.6(WDFY3):c.9200A>G (p.Asp3067Gly)

Genes: WDFY3 (WD repeat and FYVE domain containing 3; minus strand), LOC126807101 (CDK7 strongly-dependent group 2 enhancer GRCh37_chr4:85612241-85613440; plus strand). Cytogenetic location: 4q21.23.
Variant type: single nucleotide variant.
Coding change: c.9200A>G on transcript NM_014991.6 (MANE Select); coding-DNA position 9200, A replaced by G.
Protein change: p.Asp3067Gly; replaces aspartic acid 3067 with glycine.
Molecular consequence: missense variant.
Genome position (GRCh38, 1-based): chr4:84,691,635, T>C on the plus strand (A>G on the coding strand, the complement: WDFY3 is on the minus strand). VCF-style: chr4-84691635-T-C. GRCh37 (hg19) VCF-style: chr4-85612788-T-C.
Other names: short protein forms D3067G.
Identifiers: ClinVar variation 3893537 (VCV003893537.2).
Genomic context (GRCh38, chr4:84,691,635, plus strand): 5'-GATAGCCAGACCACAAAAGAGCAATATTAAATGAGTAGGCAGGAAATAATGCAAACCTTG[T>C]CTGACTCATAGGTTCCCAGTCTGCAACTGAGGTCTGCATAGCCCCAAGCAAAAGTTTTAT-3'
Protein context (NP_055806.2, residues 3057-3077): LSCRLGTYES[Asp3067Gly]KAMTVYECLS